The following is an entry in ClinVar:

ClinVar aggregate classification (germline): Likely benign (0 of 4 stars; one submission).

Conditions:
PRIMPOL-related disorder. Also called: PRIMPOL-related condition.

Allele frequency attached by ClinVar (database versions not stated): ExAC 0.00006; gnomAD 0.00007; TOPMed 0.00008; ESP Exome Variant Server 0.00015; gnomAD exomes 0.00021.
gnomAD v4.1: 309 of 1,610,910 alleles (0.019%); highest among the groups gnomAD compares: Non-Finnish European, 0.025%; no homozygotes.

Submission:

PreventionGenetics, part of Exact Sciences
Classification: Likely benign for PRIMPOL-related condition. Last evaluated: 2019-05-23. Review status: no assertion criteria provided. Collection method: clinical testing. Allele origin: germline.
Comment: This variant is classified as likely benign based on ACMG/AMP sequence variant interpretation guidelines (Richards et al. 2015 PMID: 25741868, with internal and published modifications).

NM_152683.4(PRIMPOL):c.591T>C (p.Leu197=)

Gene: PRIMPOL (primase and DNA directed polymerase; plus strand). Cytogenetic location: 4q35.1.
Variant type: single nucleotide variant.
Coding change: c.591T>C on transcript NM_152683.4 (MANE Select); coding-DNA position 591, T replaced by C.
Protein change: p.Leu197=; no amino-acid change (leucine 197 retained).
Molecular consequence: synonymous variant. On other transcripts: 5 prime UTR variant (4), non-coding transcript variant (3).
Genome position (GRCh38, 1-based): chr4:184,672,207, T>C. VCF-style: chr4-184672207-T-C. GRCh37 (hg19) VCF-style: chr4-185593361-T-C.
Other names: c.204T>C, p.Leu68= (NM_001300767.2); c.591T>C, p.Leu197= (NM_001300768.2, NM_001345891.2, NM_001345892.2 and 4 more transcripts); c.-106T>C (NM_001345894.2, NM_001345897.2, NM_001345898.2 and 1 more transcripts); c.66T>C, p.Leu22= (NM_001345900.2).
Identifiers: ClinVar variation 3039377 (VCV003039377.2), dbSNP rs374268046, ClinGen allele CA3154353.
Genomic context (GRCh38, chr4:184,672,207, plus strand): 5'-TGAATGATAATAGCTTTTTTCCTTAGGTAATTTTTTGAGAAAAATTTTGCAGCCTGCTCT[T>C]GACTTGCTTGGCAGTGAAGATGATGATAGCGCTCCAGAGACAACAGGCCATGGATTTCCC-3'
Protein context (NP_689896.1, residues 187-207): NFLRKILQPA[Leu197=]DLLGSEDDDS